The following is an entry in ClinVar:

NM_014334.4(FRRS1L):c.189C>G (p.Tyr63Ter)

Gene: FRRS1L (ferric chelate reductase 1 like; minus strand). Cytogenetic location: 9q31.3.
Variant type: single nucleotide variant.
Coding change: c.189C>G on transcript NM_014334.4 (MANE Select); coding-DNA position 189, C replaced by G.
Protein change: p.Tyr63Ter; replaces tyrosine 63 with a stop codon.
Molecular consequence: nonsense.
Genome position (GRCh38, 1-based): chr9:109,166,950, G>C on the plus strand (C>G on the coding strand, the complement: FRRS1L is on the minus strand). VCF-style: chr9-109166950-G-C. GRCh37 (hg19) VCF-style: chr9-111929230-G-C.
Other names: short protein forms Y63*.
Identifiers: ClinVar variation 2709537 (VCV002709537.3), dbSNP rs1052826149, ClinGen allele CA374430320.

ClinVar aggregate classification (germline): Pathogenic (1 of 4 stars; one submission).

Conditions:
Developmental and epileptic encephalopathy, 37 (DEE37). Also called: Epileptic encephalopathy, early infantile, 37. Identifiers: MedGen C4310770, MONDO:0014859, OMIM 616981.

Submission:

Labcorp Genetics (formerly Invitae), Labcorp
Classification: Pathogenic for Developmental and epileptic encephalopathy, 37. Last evaluated: 2025-03-05. Review status: criteria provided, single submitter. Criteria: Invitae Variant Classification Sherloc (09022015). Collection method: clinical testing. Allele origin: germline.
Comment: This sequence change creates a premature translational stop signal (p.Tyr114*) in the FRRS1L gene. It is expected to result in an absent or disrupted protein product. Loss-of-function variants in FRRS1L are known to be pathogenic (PMID: 27236917). This variant is not present in population databases (gnomAD no frequency). This variant has not been reported in the literature in individuals affected with FRRS1L-related conditions. ClinVar contains an entry for this variant (Variation ID: 2709537). For these reasons, this variant has been classified as Pathogenic.

Literature cited by the submitters: PubMed 27236917.